The following is an entry in ClinVar:

ClinVar aggregate classification (germline): Uncertain significance (1 of 4 stars; one submission).

Submission:

GeneDx
Classification: Uncertain significance. Last evaluated: 2020-10-21. Review status: criteria provided, single submitter. Criteria: GeneDx Variant Classification Process June 2021. Collection method: clinical testing. Allele origin: germline. Affected: yes.
Comment: Not observed in large population cohorts (Lek et al., 2016); In silico analysis supports that this missense variant has a deleterious effect on protein structure/function; Has not been previously published as pathogenic or benign to our knowledge

NM_001376.5(DYNC1H1):c.1444A>G (p.Arg482Gly)

Gene: DYNC1H1 (dynein cytoplasmic 1 heavy chain 1; plus strand). Cytogenetic location: 14q32.31.
Variant type: single nucleotide variant.
Coding change: c.1444A>G on transcript NM_001376.5 (MANE Select); coding-DNA position 1444, A replaced by G.
Protein change: p.Arg482Gly; replaces arginine 482 with glycine.
Molecular consequence: missense variant.
Genome position (GRCh38, 1-based): chr14:101,983,592, A>G. VCF-style: chr14-101983592-A-G. GRCh37 (hg19) VCF-style: chr14-102449929-A-G.
Other names: short protein forms R482G.
Identifiers: ClinVar variation 1304190 (VCV001304190.2), dbSNP rs2141272608, ClinGen allele CA391016330.